The following is an entry in ClinVar:

ClinVar aggregate classification (germline): Uncertain significance. Review status: criteria provided, multiple submitters, no conflicts (2 of 4 stars). 4 submissions from 4 submitters: Uncertain significance (4). Last evaluated 2025-07-10.

Conditions:
Cardiovascular phenotype. Identifiers: MedGen CN230736.
Familial hypercholesterolemia. Also called: Familial hypercholesterolemias; Familial hypercholesterolaemia. Identifiers: MedGen C0020445, MONDO:0005439.
Hypercholesterolemia, autosomal dominant, 3 (FHCL3). Also called: Familial hypercholesterolemia 3; Familial Hypercholesterolemia, Autosomal Dominant, 3; PCSK9-Related Familial Hypercholesterolemia, Autosomal Dominant. Identifiers: MedGen C1863551, MONDO:0011369, OMIM 603776.

Allele frequency attached by ClinVar (database versions not stated): gnomAD 0.00002 and 0.00003; gnomAD exomes 0.00002 and 0.00003; TOPMed 0.00003; ExAC 0.00005; ESP Exome Variant Server 0.00008; 1000 Genomes Project 30x 0.00016; 1000 Genomes Project 0.00020.
gnomAD v4.1: 32 of 1,614,024 alleles (0.002%); highest among the groups gnomAD compares: East Asian, 0.0089%; no homozygotes.

Submissions (4):

Color Diagnostics, LLC DBA Color Health
Classification: Uncertain significance for Familial hypercholesterolemia. Last evaluated: 2025-07-10. Review status: criteria provided, single submitter. Criteria: ACMG Guidelines, 2015. Collection method: clinical testing. Allele origin: germline.
Comment: This missense variant replaces glycine with arginine at codon 176 of the PCSK9 protein. Computational prediction suggests that this variant may not impact protein structure and function. To our knowledge, functional studies have not been reported for this variant. This variant has been reported in an individual affected with dyslipidemia (PMID: 29572815, 33111339). This variant has been identified in 7/251370 chromosomes in the general population by the Genome Aggregation Database (gnomAD). The available evidence is insufficient to determine the role of this variant in disease conclusively. Therefore, this variant is classified as a Variant of Uncertain Significance.

GeneDx
Classification: Uncertain significance. Last evaluated: 2024-11-08. Review status: criteria provided, single submitter. Criteria: GeneDx Variant Classification Process June 2021. Collection method: clinical testing. Allele origin: germline. Affected: yes.
Comment: In silico analysis supports a deleterious effect on splicing; In silico analysis indicates that this missense variant does not alter protein structure/function; Reported in a patient with FH in published literature (PMID: 29572815, 33111339); This variant is associated with the following publications: (PMID: 27535533, 29572815, 33111339)

Ambry Genetics
Classification: Uncertain significance for Cardiovascular phenotype. Last evaluated: 2024-06-12. Review status: criteria provided, single submitter. Criteria: Ambry Variant Classification Scheme 2023. Collection method: clinical testing. Allele origin: germline.
Comment: The p.G176R variant (also known as c.526G>A), located in coding exon 4 of the PCSK9 gene, results from a G to A substitution at nucleotide position 526. The glycine at codon 176 is replaced by arginine, an amino acid with dissimilar properties. This variant was reported in one individual from a dyslipidemia cohort; however, clinical details were not provided (Marmontel O et al. Clin Genet, 2018 07;94:132-140; Marmontel O et al. Clin Genet, 2020 12;98:589-594). This amino acid position is not well conserved in available vertebrate species. In addition, this alteration is predicted to be tolerated by in silico analysis. Since supporting evidence is limited at this time, the clinical significance of this alteration remains unclear.

All of Us Research Program, National Institutes of Health
Classification: Uncertain significance for Hypercholesterolemia, autosomal dominant, 3. Last evaluated: 2023-11-20. Review status: criteria provided, single submitter. Criteria: ACMG Guidelines, 2015. Collection method: clinical testing. Allele origin: germline. Inheritance: Autosomal dominant inheritance. Observed: 6 variant alleles, 6 heterozygotes.
Comment: This missense variant replaces glycine with arginine at codon 176 of the PCSK9 protein. Computational prediction suggests that this variant may not impact protein structure and function (internally defined REVEL score threshold <= 0.5, PMID: 27666373). To our knowledge, functional studies have not been reported for this variant. This variant has not been reported in individuals affected with familial hypercholesterolemia in the literature. This variant has been identified in 7/251370 chromosomes in the general population by the Genome Aggregation Database (gnomAD). The available evidence is insufficient to determine the role of this variant in disease conclusively. Therefore, this variant is classified as a Variant of Uncertain Significance.

This study involves interpretation of variants in research participants for the purpose of population health screening. Participant phenotype was not available at the time of variant classification. Additional details can be found in publication PMID: 35346344, PMCID: PMC8962531

Literature cited by the submitters: PubMed 29572815 (cited by Color Diagnostics, LLC DBA Color Health and Ambry Genetics); PubMed 33111339 (cited by Color Diagnostics, LLC DBA Color Health and Ambry Genetics); PubMed 27516387 (cited by Ambry Genetics).

NM_174936.4(PCSK9):c.526G>A (p.Gly176Arg)

Gene: PCSK9 (proprotein convertase subtilisin/kexin type 9; plus strand). Cytogenetic location: 1p32.3.
Variant type: single nucleotide variant.
Coding change: c.526G>A on transcript NM_174936.4 (MANE Select); coding-DNA position 526, G replaced by A.
Protein change: p.Gly176Arg; replaces glycine 176 with arginine.
Molecular consequence: missense variant.
Genome position (GRCh38, 1-based): chr1:55,052,280, G>A. VCF-style: chr1-55052280-G-A. GRCh37 (hg19) VCF-style: chr1-55517953-G-A.
Other names: c.649G>A, p.Gly217Arg (NM_001407240.1); c.526G>A, p.Gly176Arg (NM_001407241.1, NM_001407242.1, NM_001407244.1 and 1 more transcripts); c.469G>A, p.Gly157Arg (NM_001407243.1); c.334G>A, p.Gly112Arg (NM_001407245.1); c.151G>A, p.Gly51Arg (NM_001407246.1); short protein forms G176R, G112R, G157R, G51R, G217R.
Identifiers: ClinVar variation 923947 (VCV000923947.12), dbSNP rs141135099, ClinGen allele CA043178.